The following is an entry in ClinVar:

NM_001358235.2(DCHS2):c.5619T>C (p.Asp1873=)

Genes: DCHS2 (dachsous cadherin-related 2; minus strand), DCHS2-AS1 (DCHS2 antisense RNA 1; plus strand). Cytogenetic location: 4q31.3.
Variant type: single nucleotide variant.
Coding change: c.5619T>C on transcript NM_001358235.2 (MANE Select); coding-DNA position 5619, T replaced by C.
Protein change: p.Asp1873=; no amino-acid change (aspartic acid 1873 retained).
Molecular consequence: synonymous variant.
Genome position (GRCh38, 1-based): chr4:154,298,695, A>G on the plus strand (T>C on the coding strand, the complement: DCHS2 is on the minus strand). VCF-style: chr4-154298695-A-G. GRCh37 (hg19) VCF-style: chr4-155219847-A-G.
Identifiers: ClinVar variation 4533988 (VCV004533988.6).

ClinVar aggregate classification (germline): Likely benign (1 of 4 stars; one submission).

gnomAD v4.1: 13 of 1,574,932 alleles (0.00083%); highest among the groups gnomAD compares: East Asian, 0.0022%; no homozygotes.

Submission:

CeGaT Center for Human Genetics Tuebingen
Classification: Likely benign. Last evaluated: 2025-10-01. Review status: criteria provided, single submitter. Criteria: CeGaT Center For Human Genetics Tuebingen Variant Classification Criteria Version 2. Collection method: clinical testing. Allele origin: germline. Affected: yes. Observed: 1 variant allele.
Comment: DCHS2: BP4, BP7